The following is an entry in ClinVar:

NM_000179.3(MSH6):c.4005A>G (p.Glu1335=)

Gene: MSH6 (mutS homolog 6; plus strand). Cytogenetic location: 2p16.3.
Variant type: single nucleotide variant.
Coding change: c.4005A>G on transcript NM_000179.3 (MANE Select); coding-DNA position 4005, A replaced by G.
Protein change: p.Glu1335=; no amino-acid change (glutamic acid 1335 retained).
Molecular consequence: synonymous variant. On other transcripts: 3 prime UTR variant (1), missense variant (1), non-coding transcript variant (5), splice acceptor variant (3).
Genome position (GRCh38, 1-based): chr2:47,806,782, A>G. VCF-style: chr2-47806782-A-G. GRCh37 (hg19) VCF-style: chr2-48033921-A-G.
Other names: c.3615A>G, p.Glu1205= (NM_001281492.2); c.3099A>G, p.Glu1033= (NM_001281493.2, NM_001281494.2, NM_001406811.1 and 6 more transcripts); c.4101A>G, p.Glu1367= (NM_001406795.1); c.4005A>G, p.Glu1335= (NM_001406796.1, NM_001406809.1); c.3708A>G, p.Glu1236= (NM_001406797.1, NM_001406805.1, NM_001406818.1 and 8 more transcripts); c.3831A>G, p.Glu1277= (NM_001406798.1); c.3480A>G, p.Glu1160= (NM_001406799.1, NM_001406806.1, NM_001406807.1); c.*26A>G (NM_001406800.1); and 11 more; short protein forms S1301G.
Identifiers: ClinVar variation 1736962 (VCV001736962.6), dbSNP rs786204130, ClinGen allele CA426122252.
Genomic context (GRCh38, chr2:47,806,782, plus strand): 5'-GGATGATGCACTATGAAAAAACAAAAAAACTTTTTTTTTTTTTTTTTTAATTTTAAGGGA[A>G]GTTTGCCTGGCTAGTGAAAGGTCAACTGTAGATGCTGAAGCTGTCCATAAATTGCTGACT-3'
Protein context (NP_000170.1, residues 1325-1345): KMNQSLRLFR[Glu1335=]VCLASERSTV

ClinVar aggregate classification (germline): Benign/Likely benign. Review status: criteria provided, multiple submitters, no conflicts (2 of 4 stars). 3 submissions from 3 submitters: Benign (1); Likely benign (2). Last evaluated 2025-01-09.

Conditions:
Hereditary nonpolyposis colorectal neoplasms. Identifiers: MedGen C0009405, MeSH D003123.
Hereditary cancer-predisposing syndrome. Also called: Neoplastic Syndromes, Hereditary; Tumor predisposition; Hereditary Cancer Syndrome; Hereditary neoplastic syndrome. Identifiers: Orphanet 140162, MedGen C0027672, MeSH D009386, MONDO:0015356.
Lynch syndrome 5 (LYNCH5). Also called: Colorectal cancer, hereditary nonpolyposis, type 5; Hereditary non-polyposis colorectal cancer, type 5. Identifiers: Orphanet 144, MedGen C1833477, MONDO:0013710, OMIM 614350. Disease mechanism: loss of function.

Submissions (3):

Myriad Genetics, Inc.
Classification: Benign for Lynch syndrome 5. Last evaluated: 2025-01-09. Review status: criteria provided, single submitter. Criteria: Myriad Autosomal Dominant, Autosomal Recessive and X-Linked Classification Criteria (2023). Collection method: clinical testing. Allele origin: unknown.
Comment: This variant is considered benign. This variant is a silent/synonymous amino acid change and it is not expected to impact splicing.

Labcorp Genetics (formerly Invitae), Labcorp
Classification: Likely benign for Hereditary nonpolyposis colorectal neoplasms. Last evaluated: 2023-03-19. Review status: criteria provided, single submitter. Criteria: Invitae Variant Classification Sherloc (09022015). Collection method: clinical testing. Allele origin: germline.

Ambry Genetics
Classification: Likely benign for Hereditary cancer-predisposing syndrome. Last evaluated: 2019-01-02. Review status: criteria provided, single submitter. Criteria: Ambry Variant Classification Scheme 2023. Collection method: clinical testing. Allele origin: germline.